The following is an entry in ClinVar:

NM_173551.5(ANKS6):c.864del (p.Asp288fs)

Gene: ANKS6 (ankyrin repeat and sterile alpha motif domain containing 6; minus strand). Cytogenetic location: 9q22.33.
Variant type: Deletion.
Coding change: c.864del on transcript NM_173551.5 (MANE Select); coding-DNA position 864, one base deleted (T; older notation c.864delT).
Protein change: p.Asp288fs; shifts the reading frame from aspartic acid 288.
Molecular consequence: frameshift variant.
Genome position (GRCh38, 1-based): chr9:98,784,875, A deleted on the plus strand (T on the coding strand, the reverse complement: ANKS6 is on the minus strand). VCF-style (leftmost placement, unchanged base first): chr9-98784874-CA-C. GRCh37 (hg19) VCF-style: chr9-101547156-CA-C.
Other names: short protein forms D288fs.
Identifiers: ClinVar variation 3596087 (VCV003596087.2).
Genomic context (GRCh38, chr9:98,784,874, plus strand): 5'-ATTTTCTAAAGCGCTTACCCATTTTCAATGCATGGAAAATATCAGGTCGCCTTTTCTCCT[CA>C]TCTGGGTAAACAAAGATTTTTAAAGTTAACCACGGAAAGGTTTAATATAACAGAAAAGTC-3'

ClinVar aggregate classification (germline): Pathogenic/Likely pathogenic. Review status: criteria provided, multiple submitters, no conflicts (2 of 4 stars). 2 submissions from 2 submitters: Pathogenic (1); Likely pathogenic (1). Last evaluated 2026-01-29.

Conditions:
Nephronophthisis 16 (NPHP16). Identifiers: Orphanet 655, MedGen C3809320, MONDO:0014158, OMIM 615382.

Submissions (2):

Labcorp Genetics (formerly Invitae), Labcorp
Classification: Pathogenic for Nephronophthisis 16. Last evaluated: 2026-01-29. Review status: criteria provided, single submitter. Criteria: Invitae Variant Classification Sherloc (09022015). Collection method: clinical testing. Allele origin: germline.
Comment: This sequence change creates a premature translational stop signal (p.Asp288Glufs*13) in the ANKS6 gene. It is expected to result in an absent or disrupted protein product. Loss-of-function variants in ANKS6 are known to be pathogenic (PMID: 23793029, 25599650). This variant is present in population databases (rs775893738, gnomAD 0.02%). This variant has not been reported in the literature in individuals affected with ANKS6-related conditions. ClinVar contains an entry for this variant (Variation ID: 3596087). For these reasons, this variant has been classified as Pathogenic.

Fulgent Genetics
Classification: Likely pathogenic for Nephronophthisis 16. Last evaluated: 2024-06-06. Review status: criteria provided, single submitter. Criteria: ACMG Guidelines, 2015. Collection method: clinical testing. Allele origin: germline.

Literature cited by the submitters: PubMed 23793029 (cited by Labcorp Genetics (formerly Invitae), Labcorp); PubMed 25599650 (cited by Labcorp Genetics (formerly Invitae), Labcorp).